The following is an entry in ClinVar:

ClinVar aggregate classification (germline): Uncertain significance (1 of 4 stars; one submission).

Conditions:
Inborn genetic diseases. Identifiers: MedGen C0950123, MeSH D030342.

Submission:

Ambry Genetics
Classification: Uncertain significance for Inborn genetic diseases. Last evaluated: 2026-06-01. Review status: criteria provided, single submitter. Criteria: Ambry Variant Classification Scheme 2023. Collection method: clinical testing. Allele origin: germline.
Comment: The p.D554E variant (also known as c.1662T>G), located in coding exon 1 of the SAMD9 gene, results from a T to G substitution at nucleotide position 1662. The aspartic acid at codon 554 is replaced by glutamic acid, an amino acid with highly similar properties. This amino acid position is conserved. In addition, this alteration is predicted to be tolerated by in silico analysis. Based on the available evidence, the clinical significance of this variant remains unclear.

NM_017654.4(SAMD9):c.1662T>G (p.Asp554Glu)

Gene: SAMD9 (sterile alpha motif domain containing 9; minus strand). Cytogenetic location: 7q21.2.
Variant type: single nucleotide variant.
Coding change: c.1662T>G on transcript NM_017654.4 (MANE Select); coding-DNA position 1662, T replaced by G.
Protein change: p.Asp554Glu; replaces aspartic acid 554 with glutamic acid.
Molecular consequence: missense variant.
Genome position (GRCh38, 1-based): chr7:93,104,436, A>C on the plus strand (T>G on the coding strand, the complement: SAMD9 is on the minus strand). VCF-style: chr7-93104436-A-C. GRCh37 (hg19) VCF-style: chr7-92733749-A-C.
Other names: c.1662T>G, p.Asp554Glu (NM_001193307.2); short protein forms D554E.
Identifiers: ClinVar variation 4863883 (VCV004863883.1).
Genomic context (GRCh38, chr7:93,104,436, plus strand): 5'-CAGTATATTTTCCATTCCTTTGAGATCCTGGTAGAAAGCACAGAAAGTCTCAATGAGGGG[A>C]TCTCTTGGGTCATCCACAGAGGACAGTAATAGAAATACCACCAAAAACTTCCCTCTTGGC-3'
Protein context (NP_060124.2, residues 544-564): LLLSSVDDPR[Asp554Glu]PLIETFCAFY